The following is an entry in ClinVar:

NM_018249.6(CDK5RAP2):c.4681C>G (p.Leu1561Val)

Gene: CDK5RAP2 (CDK5 regulatory subunit associated protein 2; minus strand). Cytogenetic location: 9q33.2.
Variant type: single nucleotide variant.
Coding change: c.4681C>G on transcript NM_018249.6 (MANE Select); coding-DNA position 4681, C replaced by G.
Protein change: p.Leu1561Val; replaces leucine 1561 with valine.
Molecular consequence: missense variant. On other transcripts: non-coding transcript variant (5).
Genome position (GRCh38, 1-based): chr9:120,408,392, G>C on the plus strand (C>G on the coding strand, the complement: CDK5RAP2 is on the minus strand). VCF-style: chr9-120408392-G-C. GRCh37 (hg19) VCF-style: chr9-123170670-G-C.
Other names: c.4681C>G, p.Leu1561Val (NM_001011649.3); c.3991C>G, p.Leu1331Val (NM_001272039.2); c.4582C>G, p.Leu1528Val (NM_001410992.1); c.4585C>G, p.Leu1529Val (NM_001410993.1); c.4678C>G, p.Leu1560Val (NM_001410994.1); short protein forms L1528V, L1561V, L1560V, L1331V, L1529V.
Identifiers: ClinVar variation 2340207 (VCV002340207.4), dbSNP rs748298248, ClinGen allele CA5213487.

ClinVar aggregate classification (germline): Uncertain significance. Review status: criteria provided, multiple submitters, no conflicts (2 of 4 stars). 2 submissions from 2 submitters: Uncertain significance (2). Last evaluated 2024-12-17.

Conditions:
Inborn genetic diseases. Identifiers: MedGen C0950123, MeSH D030342.

Allele frequency attached by ClinVar (database versions not stated): ExAC 0.00001.
gnomAD v4.1: 8 of 1,614,048 alleles (0.0005%); highest among the groups gnomAD compares: Admixed American, 0.012%; no homozygotes.

Submissions (2):

Labcorp Genetics (formerly Invitae), Labcorp
Classification: Uncertain significance. Last evaluated: 2024-12-17. Review status: criteria provided, single submitter. Criteria: Invitae Variant Classification Sherloc (09022015). Collection method: clinical testing. Allele origin: germline.
Comment: This sequence change replaces leucine, which is neutral and non-polar, with valine, which is neutral and non-polar, at codon 1561 of the CDK5RAP2 protein (p.Leu1561Val). This variant is present in population databases (rs748298248, gnomAD 0.003%). This variant has not been reported in the literature in individuals affected with CDK5RAP2-related conditions. ClinVar contains an entry for this variant (Variation ID: 2340207). An algorithm developed to predict the effect of missense changes on protein structure and function (PolyPhen-2) suggests that this variant is likely to be disruptive. In summary, the available evidence is currently insufficient to determine the role of this variant in disease. Therefore, it has been classified as a Variant of Uncertain Significance.

Ambry Genetics
Classification: Uncertain significance for Inborn genetic diseases. Last evaluated: 2022-12-28. Review status: criteria provided, single submitter. Criteria: Ambry Variant Classification Scheme 2023. Collection method: clinical testing. Allele origin: germline.